The following is an entry in ClinVar:

ClinVar aggregate classification (germline): Uncertain significance. Review status: criteria provided, multiple submitters, no conflicts (2 of 4 stars). 2 submissions from 2 submitters: Uncertain significance (2). Last evaluated 2022-08-23.

Conditions:
MHC class II deficiency. Also called: BLS, TYPE II; Bare lymphocyte syndrome 2. Identifiers: Orphanet 572, MedGen C5447452, MONDO:0008855.

Allele frequency attached by ClinVar (database versions not stated): gnomAD exomes 0.00003; gnomAD 0.00004; TOPMed 0.00006; 1000 Genomes Project 30x 0.00016; 1000 Genomes Project 0.00020.
gnomAD v4.1: 52 of 1,613,562 alleles (0.0032%); highest among the groups gnomAD compares: East Asian, 0.033%; no homozygotes.

Submissions (2):

Labcorp Genetics (formerly Invitae), Labcorp
Classification: Uncertain significance for MHC class II deficiency. Last evaluated: 2022-08-23. Review status: criteria provided, single submitter. Criteria: Invitae Variant Classification Sherloc (09022015). Collection method: clinical testing. Allele origin: germline.
Comment: This sequence change replaces proline, which is neutral and non-polar, with leucine, which is neutral and non-polar, at codon 86 of the RFXANK protein (p.Pro86Leu). This variant is present in population databases (rs545211228, gnomAD 0.05%). This variant has not been reported in the literature in individuals affected with RFXANK-related conditions. ClinVar contains an entry for this variant (Variation ID: 844630). Algorithms developed to predict the effect of missense changes on protein structure and function (SIFT, PolyPhen-2, Align-GVGD) all suggest that this variant is likely to be tolerated. In summary, the available evidence is currently insufficient to determine the role of this variant in disease. Therefore, it has been classified as a Variant of Uncertain Significance.

GeneDx
Classification: Uncertain significance. Last evaluated: 2022-01-06. Review status: criteria provided, single submitter. Criteria: GeneDx Variant Classification Process June 2021. Collection method: clinical testing. Allele origin: germline. Affected: yes.
Comment: In silico analysis supports that this missense variant has a deleterious effect on protein structure/function; Has not been previously published as pathogenic or benign to our knowledge

NM_003721.4(RFXANK):c.257C>T (p.Pro86Leu)

Gene: RFXANK (regulatory factor X associated ankyrin containing protein; plus strand). Cytogenetic location: 19p13.11.
Variant type: single nucleotide variant.
Coding change: c.257C>T on transcript NM_003721.4 (MANE Select); coding-DNA position 257, C replaced by T.
Protein change: p.Pro86Leu; replaces proline 86 with leucine.
Molecular consequence: missense variant.
Genome position (GRCh38, 1-based): chr19:19,197,032, C>T. VCF-style: chr19-19197032-C-T. GRCh37 (hg19) VCF-style: chr19-19307841-C-T.
Other names: c.257C>T, p.Pro86Leu (NM_001278727.2, NM_001370233.1, NM_001370234.1 and 1 more transcripts); c.254C>T, p.Pro85Leu (NM_001278728.2, NM_001370235.1, NM_001370236.1 and 2 more transcripts); short protein forms P85L, P86L.
Identifiers: ClinVar variation 844630 (VCV000844630.6), dbSNP rs545211228, ClinGen allele CA9322647.